The following is an entry in ClinVar:

NM_001008537.3(NEXMIF):c.2954T>C (p.Met985Thr)

Gene: NEXMIF (neurite extension and migration factor; minus strand). Cytogenetic location: Xq13.3.
Variant type: single nucleotide variant.
Coding change: c.2954T>C on transcript NM_001008537.3 (MANE Select); coding-DNA position 2954, T replaced by C.
Protein change: p.Met985Thr; replaces methionine 985 with threonine.
Molecular consequence: missense variant.
Genome position (GRCh38, 1-based): chrX:74,741,603, A>G on the plus strand (T>C on the coding strand, the complement: NEXMIF is on the minus strand). VCF-style: chrX-74741603-A-G. GRCh37 (hg19) VCF-style: chrX-73961438-A-G.
Other names: short protein forms M985T.
Identifiers: ClinVar variation 4760508 (VCV004760508.1), dbSNP rs2080103863.

ClinVar aggregate classification (germline): Uncertain significance (1 of 4 stars; one submission).

gnomAD v4.1: 1 of 1,211,772 alleles (0.000083%); highest among the groups gnomAD compares: Non-Finnish European, 0.00011%; no homozygotes.

Submission:

Labcorp Genetics (formerly Invitae), Labcorp
Classification: Uncertain significance. Last evaluated: 2025-03-20. Review status: criteria provided, single submitter. Criteria: Invitae Variant Classification Sherloc (09022015). Collection method: clinical testing. Allele origin: germline.
Comment: This sequence change replaces methionine, which is neutral and non-polar, with threonine, which is neutral and polar, at codon 985 of the NEXMIF protein (p.Met985Thr). This variant is not present in population databases (gnomAD no frequency). This variant has not been reported in the literature in individuals affected with NEXMIF-related conditions. An algorithm developed to predict the effect of missense changes on protein structure and function outputs the following: PolyPhen-2: "Benign". The threonine amino acid residue is found in multiple mammalian species, which suggests that this missense change does not adversely affect protein function. In summary, the available evidence is currently insufficient to determine the role of this variant in disease. Therefore, it has been classified as a Variant of Uncertain Significance.